The following is an entry in ClinVar:

NM_006440.5(TXNRD2):c.763G>A (p.Gly255Ser)

Gene: TXNRD2 (thioredoxin reductase 2; minus strand). Cytogenetic location: 22q11.21.
Variant type: single nucleotide variant.
Coding change: c.763G>A on transcript NM_006440.5 (MANE Select); coding-DNA position 763, G replaced by A.
Protein change: p.Gly255Ser; replaces glycine 255 with serine.
Molecular consequence: missense variant. On other transcripts: non-coding transcript variant (1).
Genome position (GRCh38, 1-based): chr22:19,898,050, C>T on the plus strand (G>A on the coding strand, the complement: TXNRD2 is on the minus strand). VCF-style: chr22-19898050-C-T. GRCh37 (hg19) VCF-style: chr22-19885573-C-T.
Other names: c.763G>A, p.Gly255Ser (NM_001282512.3); c.760G>A, p.Gly254Ser (NM_001352300.2); c.673G>A, p.Gly225Ser (NM_001352301.2); c.475G>A, p.Gly159Ser (NM_001352302.2); c.667G>A, p.Gly223Ser (NM_001352303.2); short protein forms G255S, G159S, G225S, G254S, G223S.
Identifiers: ClinVar variation 518514 (VCV000518514.6), dbSNP rs76079250, ClinGen allele CA322099836.

ClinVar aggregate classification (germline): Uncertain significance (1 of 4 stars; one submission).

Conditions:
Cardiovascular phenotype. Identifiers: MedGen CN230736.

Allele frequency attached by ClinVar (database versions not stated): TOPMed 0.00002.
gnomAD v4.1: 18 of 1,557,194 alleles (0.0012%); highest among the groups gnomAD compares: Non-Finnish European, 0.0014%; no homozygotes.

Submission:

Ambry Genetics
Classification: Uncertain significance for Cardiovascular phenotype. Last evaluated: 2025-10-12. Review status: criteria provided, single submitter. Criteria: Ambry Variant Classification Scheme 2023. Collection method: clinical testing. Allele origin: germline.
Comment: The p.G255S variant (also known as c.763G>A), located in coding exon 10 of the TXNRD2 gene, results from a G to A substitution at nucleotide position 763. The glycine at codon 255 is replaced by serine, an amino acid with similar properties. This amino acid position is well conserved in available vertebrate species. In addition, this alteration is predicted to be tolerated by in silico analysis. Since supporting evidence is limited at this time, the clinical significance of this alteration remains unclear.